The following is an entry in ClinVar:

NM_000021.4(PSEN1):c.770-17T>C

Gene: PSEN1 (presenilin 1; plus strand). Cytogenetic location: 14q24.2.
Variant type: single nucleotide variant.
Coding change: c.770-17T>C on transcript NM_000021.4 (MANE Select); 17 bases into the intron before coding-DNA position 770, T replaced by C.
Molecular consequence: intron variant.
Genome position (GRCh38, 1-based): chr14:73,198,014, T>C. VCF-style: chr14-73198014-T-C. GRCh37 (hg19) VCF-style: chr14-73664722-T-C.
Other names: c.758-17T>C (NM_007318.3).
Identifiers: ClinVar variation 3763332 (VCV003763332.4).

ClinVar aggregate classification (germline): Likely benign. Review status: criteria provided, multiple submitters, no conflicts (2 of 4 stars). 2 submissions from 2 submitters: Likely benign (2). Last evaluated 2026-05-01.

Conditions:
Alzheimer disease 3 (AD3). Also called: ALZHEIMER DISEASE, FAMILIAL, 3. Identifiers: Orphanet 1020, MedGen C1843013, MONDO:0011913, OMIM 607822.
Pick disease. Also called: Pick's disease; Pick Disease of the Brain; PICK DISEASE OF BRAIN; DEMENTIA WITH LOBAR ATROPHY AND NEURONAL CYTOPLASMIC INCLUSIONS; LOBAR ATROPHY OF BRAIN. Identifiers: Orphanet 282, MedGen C0236642, MONDO:0008243, OMIM 172700.
Acne inversa, familial, 3 (ACNINV3). Identifiers: MedGen C3151038, MONDO:0013398, OMIM 613737.
Frontotemporal dementia (FTD1). Also called: Frontotemporal lobe dementia (FLDEM); FRONTOTEMPORAL DEMENTIA WITH PARKINSONISM; FRONTOTEMPORAL LOBE DEMENTIA; MULTIPLE SYSTEM TAUOPATHY WITH PRESENILE DEMENTIA; WILHELMSEN-LYNCH DISEASE; Frontotemporal Dementia with Parkinsonism-17 (FTDP-17). Identifiers: Orphanet 282, MedGen C0338451, MONDO:0017276, OMIM 600274, HP:0002145.

gnomAD v4.1: 1 of 1,465,044 alleles (0.000068%); highest among the groups gnomAD compares: Admixed American, 0.0017%; no homozygotes.

Submissions (2):

CeGaT Center for Human Genetics Tuebingen
Classification: Likely benign. Last evaluated: 2026-05-01. Review status: criteria provided, single submitter. Criteria: CeGaT Center For Human Genetics Tuebingen Variant Classification Criteria Version 2. Collection method: clinical testing. Allele origin: germline. Affected: yes. Observed: 1 variant allele.
Comment: PSEN1: BP4, BP7

Labcorp Genetics (formerly Invitae), Labcorp
Classification: Likely benign for Alzheimer disease 3; Pick disease; Acne inversa, familial, 3; Frontotemporal dementia. Last evaluated: 2025-01-02. Review status: criteria provided, single submitter. Criteria: Invitae Variant Classification Sherloc (09022015). Collection method: clinical testing. Allele origin: germline.